The following is an entry in ClinVar:

ClinVar aggregate classification (germline): Conflicting classifications of pathogenicity. Review status: criteria provided, conflicting classifications (1 of 4 stars). 8 submissions from 6 submitters: Uncertain significance (7); Likely benign (1). Last evaluated 2025-08-11.

Conditions:
Cardiovascular phenotype. Identifiers: MedGen CN230736.
Arrhythmogenic right ventricular dysplasia 8 (ARVD8). Also called: Arrhythmogenic Right Ventricular Dysplasia/Cardiomyopathy 8; ARRHYTHMOGENIC RIGHT VENTRICULAR DYSPLASIA, FAMILIAL, 8; ARRHYTHMOGENIC RIGHT VENTRICULAR CARDIOMYOPATHY 8. Identifiers: MedGen C1843896, MONDO:0011831, OMIM 607450.
Arrhythmogenic cardiomyopathy with wooly hair and keratoderma. Also called: Dilated cardiomyopathy with woolly hair and keratoderma; Arrhythmogenic cardiomyopathy with woolly hair and keratoderma; PALMOPLANTAR KERATODERMA WITH LEFT VENTRICULAR CARDIOMYOPATHY AND WOOLLY HAIR; Carvajal syndrome. Identifiers: Orphanet 65282, MedGen C1854063, MONDO:0011581, OMIM 605676.
Cardiomyopathy (CMYO). Also called: Cardiomyopathies. Identifiers: Orphanet 167848, MedGen C0878544, MONDO:0004994, HP:0001638. Inheritance: Various modes of inheritance.
Lethal acantholytic epidermolysis bullosa (EBLA). Identifiers: Orphanet 158687, MedGen C1864826, MONDO:0012323, OMIM 609638.
Woolly hair-skin fragility syndrome (WHSF). Identifiers: Orphanet 293165, MedGen C1843292, MONDO:0957307, OMIM 620415.

Allele frequency attached by ClinVar (database versions not stated): gnomAD exomes 0.00001 and 0.00002; ExAC 0.00003.

Submissions (8):

Labcorp Genetics (formerly Invitae), Labcorp
Classification: Likely benign for Arrhythmogenic cardiomyopathy with wooly hair and keratoderma; Arrhythmogenic right ventricular dysplasia 8. Last evaluated: 2025-08-11. Review status: criteria provided, single submitter. Criteria: Invitae Variant Classification Sherloc (09022015). Collection method: clinical testing. Allele origin: germline.

All of Us Research Program, National Institutes of Health
Classification: Uncertain significance for Arrhythmogenic cardiomyopathy with wooly hair and keratoderma. Last evaluated: 2024-04-16. Review status: criteria provided, single submitter. Criteria: ACMG Guidelines, 2015. Collection method: clinical testing. Allele origin: germline. Inheritance: Autosomal dominant inheritance. Observed: 1 variant allele, 1 heterozygote.
Comment: This missense variant replaces serine with threonine at codon 2792 of the DSP protein. Computational prediction suggests that this variant may not impact protein structure and function (internally defined REVEL score threshold <= 0.5, PMID: 27666373). To our knowledge, functional studies have not been reported for this variant. This variant has not been reported in individuals affected with DSP-related disorders in the literature. This variant has been identified in 5/251432 chromosomes in the general population by the Genome Aggregation Database (gnomAD). The available evidence is insufficient to determine the role of this variant in disease conclusively. Therefore, this variant is classified as a Variant of Uncertain Significance.

This study involves interpretation of variants in research participants for the purpose of population health screening. Participant phenotype was not available at the time of variant classification. Additional details can be found in publication PMID: 35346344, PMCID: PMC8962531

Color Diagnostics, LLC DBA Color Health
Classification: Uncertain significance for Cardiomyopathy. Last evaluated: 2024-03-19. Review status: criteria provided, single submitter. Criteria: ACMG Guidelines, 2015. Collection method: clinical testing. Allele origin: germline.
Comment: This missense variant replaces serine with threonine at codon 2792 of the DSP protein. Computational prediction suggests that this variant may not impact protein structure and function (internally defined REVEL score threshold <= 0.5, PMID: 27666373). To our knowledge, functional studies have not been reported for this variant. This variant has not been reported in individuals affected with DSP-related disorders in the literature. This variant has been identified in 5/251432 chromosomes in the general population by the Genome Aggregation Database (gnomAD). The available evidence is insufficient to determine the role of this variant in disease conclusively. Therefore, this variant is classified as a Variant of Uncertain Significance.

Ambry Genetics
Classification: Uncertain significance for Cardiovascular phenotype. Last evaluated: 2023-10-20. Review status: criteria provided, single submitter. Criteria: Ambry Variant Classification Scheme 2023. Collection method: clinical testing. Allele origin: germline.
Comment: The p.S2792T variant (also known as c.8374T>A), located in coding exon 24 of the DSP gene, results from a T to A substitution at nucleotide position 8374. The serine at codon 2792 is replaced by threonine, an amino acid with similar properties. This amino acid position is not well conserved in available vertebrate species. In addition, the in silico prediction for this alteration is inconclusive. Since supporting evidence is limited at this time, the clinical significance of this alteration remains unclear.

Illumina Laboratory Services, Illumina
Classification: Uncertain significance for Arrhythmogenic cardiomyopathy with wooly hair and keratoderma. Last evaluated: 2018-01-13. Review status: criteria provided, single submitter. Criteria: ICSL Variant Classification Criteria 13 December 2019. Collection method: clinical testing. Allele origin: germline.

Illumina Laboratory Services, Illumina
Classification: Uncertain significance for Lethal acantholytic epidermolysis bullosa. Last evaluated: 2018-01-13. Review status: criteria provided, single submitter. Criteria: ICSL Variant Classification Criteria 13 December 2019. Collection method: clinical testing. Allele origin: germline.

Illumina Laboratory Services, Illumina
Classification: Uncertain significance for Arrhythmogenic right ventricular dysplasia 8. Last evaluated: 2018-01-13. Review status: criteria provided, single submitter. Criteria: ICSL Variant Classification Criteria 13 December 2019. Collection method: clinical testing. Allele origin: germline.

Laboratory for Molecular Medicine, Mass General Brigham Personalized Medicine
Classification: Uncertain significance. Last evaluated: 2013-05-30. Review status: criteria provided, single submitter. Criteria: LMM Criteria. Collection method: clinical testing. Allele origin: germline. Observed: 1 variant allele.
Comment: The Ser2792Thr variant in DSP has not been reported in individuals with cardiomy opathy or in large population studies. Computational analyses (biochemical amino acid properties, conservation, AlignGVGD, PolyPhen2, and SIFT) do not provide s trong support for or against an impact to the protein. Additional information is needed to fully assess the clinical significance of this variant.

NM_004415.4(DSP):c.8374T>A (p.Ser2792Thr)

Gene: DSP (desmoplakin; plus strand). Cytogenetic location: 6p24.3.
Variant type: single nucleotide variant.
Coding change: c.8374T>A on transcript NM_004415.4 (MANE Select); coding-DNA position 8374, T replaced by A.
Protein change: p.Ser2792Thr; replaces serine 2792 with threonine.
Molecular consequence: missense variant.
Genome position (GRCh38, 1-based): chr6:7,585,636, T>A. VCF-style: chr6-7585636-T-A. GRCh37 (hg19) VCF-style: chr6-7585869-T-A.
Other names: c.6577T>A, p.Ser2193Thr (NM_001008844.3); c.7045T>A, p.Ser2349Thr (NM_001319034.2); short protein forms S2792T, S2193T, S2349T.
Identifiers: ClinVar variation 178962 (VCV000178962.20), dbSNP rs727504570, ClinGen allele CA007514.